The following is an entry in ClinVar:

ClinVar aggregate classification (germline): Uncertain significance (1 of 4 stars; one submission).

Conditions:
Lymphoproliferative syndrome 2 (LPFS2). Also called: Combined immunodeficiency due to CD27 deficiency; CD27 DEFICIENCY. Identifiers: Orphanet 238505, MedGen C3554540, MONDO:0014054, OMIM 615122.

Allele frequency attached by ClinVar (database versions not stated): gnomAD exomes below 0.00001.

Submission:

Labcorp Genetics (formerly Invitae), Labcorp
Classification: Uncertain significance for Lymphoproliferative syndrome 2. Last evaluated: 2020-12-02. Review status: criteria provided, single submitter. Criteria: Invitae Variant Classification Sherloc (09022015). Collection method: clinical testing. Allele origin: germline.
Comment: This sequence change replaces lysine with asparagine at codon 58 of the CD27 protein (p.Lys58Asn). The lysine residue is moderately conserved and there is a moderate physicochemical difference between lysine and asparagine. In summary, the available evidence is currently insufficient to determine the role of this variant in disease. Therefore, it has been classified as a Variant of Uncertain Significance. Algorithms developed to predict the effect of missense changes on protein structure and function (SIFT, PolyPhen-2, Align-GVGD) all suggest that this variant is likely to be tolerated, but these predictions have not been confirmed by published functional studies and their clinical significance is uncertain. This variant has not been reported in the literature in individuals with CD27-related conditions. This variant is not present in population databases (ExAC no frequency).

NM_001242.5(CD27):c.174G>T (p.Lys58Asn)

Genes: CD27 (CD27 molecule; plus strand), CD27-AS1 (CD27 antisense RNA 1; minus strand). Cytogenetic location: 12p13.31.
Variant type: single nucleotide variant.
Coding change: c.174G>T on transcript NM_001242.5 (MANE Select); coding-DNA position 174, G replaced by T.
Protein change: p.Lys58Asn; replaces lysine 58 with asparagine.
Molecular consequence: missense variant.
Genome position (GRCh38, 1-based): chr12:6,445,461, G>T. VCF-style: chr12-6445461-G-T. GRCh37 (hg19) VCF-style: chr12-6554627-G-T.
Other names: short protein forms K58N.
Identifiers: ClinVar variation 1505043 (VCV001505043.8), dbSNP rs2136960651, ClinGen allele CA383547030.